The following is an entry in ClinVar:

NC_000001.10:g.(?_16054138)_(16057370_?)del

Gene: PLEKHM2 (pleckstrin homology and RUN domain containing M2; plus strand). Cytogenetic location: 1p36.21.
Variant type: Deletion.
Identifiers: ClinVar variation 3247869 (VCV003247869.1).

ClinVar aggregate classification (germline): Uncertain significance (1 of 4 stars; one submission).

Conditions:
Dilated Cardiomyopathy, Recessive.

Submission:

Labcorp Genetics (formerly Invitae), Labcorp
Classification: Uncertain significance. Last evaluated: 2019-03-07. Review status: criteria provided, single submitter. Criteria: Invitae Variant Classification Sherloc (09022015). Collection method: clinical testing. Allele origin: unknown.
Comment: In summary, the available evidence is currently insufficient to determine the role of this variant in disease. Therefore, it has been classified as a Variant of Uncertain Significance. The current clinical and genetic evidence is not sufficient to establish whether loss-of-function variants in PLEKHM2 cause disease. This variant has not been reported in the literature in individuals with PLEKHM2-related conditions. This variant is a deletion of the genomic region encompassing part of exon 9 and exons 10-15 (c.1571_2399+153del) of the PLEKHM2 gene. It is expected to disrupt RNA splicing and likely results in an absent or disrupted protein product.